The following is an entry in ClinVar:

NM_000094.4(COL7A1):c.5532+4_5532+5del

Gene: COL7A1 (collagen type VII alpha 1 chain; minus strand). Cytogenetic location: 3p21.31.
Variant type: Deletion.
Coding change: c.5532+4_5532+5del on transcript NM_000094.4 (MANE Select); bases 4 to 5 of the intron after coding-DNA position 5532, 2 bases deleted (AG; older notation c.5532+4_5532+5delAG).
Molecular consequence: intron variant.
Genome position (GRCh38, 1-based): chr3:48,578,316-48,578,317, CT deleted on the plus strand (AG on the coding strand, the reverse complement: COL7A1 is on the minus strand); deleting any 2 consecutive bases within chr3:48,578,316-48,578,318 gives the same sequence; the c. name uses the placement nearest the transcript's 3' end. VCF-style (leftmost placement, unchanged base first): chr3-48578315-ACT-A. GRCh37 (hg19) VCF-style: chr3-48615748-ACT-A.
Identifiers: ClinVar variation 4817385 (VCV004817385.1).
Genomic context (GRCh38, chr3:48,578,315, plus strand): 5'-CTTGGCTGTGTAGGTGTGCTGGCGTTTCTTGGCAGGTTTCGCCGCAGCTGCCCTGGACAC[ACT>A]CACGTTTTTTCCATTCAGGCCAGGTTTGCCATCCTCGCCTGGCTTTCCCTGTGGGAACAG-3'

ClinVar aggregate classification (germline): Likely pathogenic (1 of 4 stars; one submission).

Conditions:
Epidermolysis bullosa dystrophica. Also called: Dystrophic epidermolysis bullosa, Hallopeau-Siemens type (formerly); Dystrophic epidermolysis bullosa. Identifiers: Orphanet 303, MedGen C0079294, MONDO:0006543.

Submission:

Natera, Inc.
Classification: Likely pathogenic for Dystrophic epidermolysis bullosa. Last evaluated: 2025-09-08. Review status: criteria provided, single submitter. Criteria: Natera Variant Classification Schema (03/2026). Collection method: clinical testing. Allele origin: germline.
Comment: The c.5532+4_5532+5del variant in COL7A1 is a frameshift variant predicted to shift the reading frame and introduce a stop codon. This variant is rare in the general population with a frequency below the threshold expected for the associated phenotype(s). This variant has been observed in one or more individuals affected with the associated recessive disease, as either homozygous or compound heterozygous with a second variant (PMID: 32537942). Functional studies show that this variant may disrupt protein function (PMID: 32537942). Given the available evidence, this variant is classified as Likely Pathogenic.

Literature cited by the submitters: PubMed 32537942.